The following is an entry in ClinVar:

NM_133433.4(NIPBL):c.4901T>C (p.Ile1634Thr)

Gene: NIPBL (NIPBL cohesin loading factor; plus strand). Cytogenetic location: 5p13.2.
Variant type: single nucleotide variant.
Coding change: c.4901T>C on transcript NM_133433.4 (MANE Select); coding-DNA position 4901, T replaced by C.
Protein change: p.Ile1634Thr; replaces isoleucine 1634 with threonine.
Molecular consequence: missense variant.
Genome position (GRCh38, 1-based): chr5:37,017,143, T>C. VCF-style: chr5-37017143-T-C. GRCh37 (hg19) VCF-style: chr5-37017245-T-C.
Other names: c.4901T>C, p.Ile1634Thr (NM_015384.5); short protein forms I1634T.
Identifiers: ClinVar variation 1334482 (VCV001334482.4), dbSNP rs1343267889, ClinGen allele CA359484608.

ClinVar aggregate classification (germline): Uncertain significance (1 of 4 stars; one submission).

Allele frequency attached by ClinVar (database versions not stated): TOPMed below 0.00001; gnomAD 0.00001.
gnomAD v4.1: 1 of 1,611,492 alleles (0.000062%); highest among the groups gnomAD compares: Non-Finnish European, 0.000085%; no homozygotes.

Submission:

Greenwood Genetic Center Diagnostic Laboratories, Greenwood Genetic Center
Classification: Uncertain significance. Last evaluated: 2021-06-15. Review status: criteria provided, single submitter. Criteria: ACMG Guidelines, 2015. Collection method: clinical testing. Allele origin: germline. Affected: yes.
Comment: PM2, PP2,